The following is an entry in ClinVar:

NM_024079.5(ALG8):c.1176G>C (p.Met392Ile)

Gene: ALG8 (ALG8 alpha-1,3-glucosyltransferase; minus strand). Cytogenetic location: 11q14.1.
Variant type: single nucleotide variant.
Coding change: c.1176G>C on transcript NM_024079.5 (MANE Select); coding-DNA position 1176, G replaced by C.
Protein change: p.Met392Ile; replaces methionine 392 with isoleucine.
Molecular consequence: missense variant. On other transcripts: non-coding transcript variant (1), intron variant (2).
Genome position (GRCh38, 1-based): chr11:78,106,809, C>G on the plus strand (G>C on the coding strand, the complement: ALG8 is on the minus strand). VCF-style: chr11-78106809-C-G. GRCh37 (hg19) VCF-style: chr11-77817855-C-G.
Other names: c.1176G>C, p.Met392Ile (NM_001007027.3, NM_001425222.1, NM_001425227.1 and 3 more transcripts); c.1179G>C, p.Met393Ile (NM_001425219.1); c.1161G>C, p.Met387Ile (NM_001425220.1); c.1101G>C, p.Met367Ile (NM_001425221.1); c.1170G>C, p.Met390Ile (NM_001425223.1); c.1269G>C, p.Met423Ile (NM_001425224.1); c.1224G>C, p.Met408Ile (NM_001425225.1); c.1023G>C, p.Met341Ile (NM_001425226.1, NM_001425236.1); and 10 more; short protein forms M207I, M220I, M228I, M283I, M304I, M305I, M325I, M334I.
Identifiers: ClinVar variation 4527410 (VCV004527410.2).

ClinVar aggregate classification (germline): Uncertain significance. Review status: criteria provided, multiple submitters, no conflicts (2 of 4 stars). 2 submissions from 2 submitters: Uncertain significance (2). Last evaluated 2025-07-14.

Conditions:
ALG8 congenital disorder of glycosylation. Also called: ALG8-CDG; CONGENITAL DISORDER OF GLYCOSYLATION, TYPE Ih; CDG Ih. Identifiers: Orphanet 79325, MedGen C2931002, MONDO:0011969, OMIM 608104.

gnomAD v4.1: 1 of 1,614,006 alleles (0.000062%); highest among the groups gnomAD compares: Non-Finnish European, 0.000085%; no homozygotes.

Submissions (2):

Labcorp Genetics (formerly Invitae), Labcorp
Classification: Uncertain significance for ALG8 congenital disorder of glycosylation. Last evaluated: 2025-07-14. Review status: criteria provided, single submitter. Criteria: Invitae Variant Classification Sherloc (09022015). Collection method: clinical testing. Allele origin: germline.
Comment: This sequence change replaces methionine, which is neutral and non-polar, with isoleucine, which is neutral and non-polar, at codon 392 of the ALG8 protein (p.Met392Ile). This variant is not present in population databases (gnomAD no frequency). This variant has not been reported in the literature in individuals affected with ALG8-related conditions. An algorithm developed to predict the effect of missense changes on protein structure and function (PolyPhen-2) suggests that this variant is likely to be tolerated. In summary, the available evidence is currently insufficient to determine the role of this variant in disease. Therefore, it has been classified as a Variant of Uncertain Significance.

GeneDx
Classification: Uncertain significance. Last evaluated: 2025-04-28. Review status: criteria provided, single submitter. Criteria: GeneDx Variant Classification Process June 2021. Collection method: clinical testing. Allele origin: germline. Affected: yes.
Comment: Not observed at significant frequency in large population cohorts (gnomAD); In silico analysis indicates that this missense variant does not alter protein structure/function; Has not been previously published as pathogenic or benign to our knowledge